The following is an entry in ClinVar:

NM_032977.4(CASP10):c.701A>T (p.Asn234Ile)

Gene: CASP10 (caspase 10; plus strand). Cytogenetic location: 2q33.1.
Variant type: single nucleotide variant.
Coding change: c.701A>T on transcript NM_032977.4 (MANE Select); coding-DNA position 701, A replaced by T.
Protein change: p.Asn234Ile; replaces asparagine 234 with isoleucine.
Molecular consequence: missense variant. On other transcripts: intron variant (2).
Genome position (GRCh38, 1-based): chr2:201,203,746, A>T. VCF-style: chr2-201203746-A-T. GRCh37 (hg19) VCF-style: chr2-202068469-A-T.
Other names: c.701A>T, p.Asn234Ile (NM_001206524.2, NM_032974.5, NM_032976.4); c.685-4329A>T (NM_001206542.2, NM_001230.5); short protein forms N234I.
Identifiers: ClinVar variation 2933306 (VCV002933306.4), dbSNP rs1374658340, ClinGen allele CA350282793.

ClinVar aggregate classification (germline): Uncertain significance. Review status: criteria provided, multiple submitters, no conflicts (2 of 4 stars). 2 submissions from 2 submitters: Uncertain significance (2). Last evaluated 2023-02-11.

Conditions:
Autoimmune lymphoproliferative syndrome type 2A (ALPS2A). Also called: Autoimmune lymphoproliferative syndrome type 2; CASP10-Related Autoimmune Lymphoproliferative Syndrome; AUTOIMMUNE LYMPHOPROLIFERATIVE SYNDROME, TYPE IIA. Identifiers: Orphanet 3261, MedGen C1858968, MONDO:0011383, OMIM 603909.

Allele frequency attached by ClinVar (database versions not stated): TOPMed below 0.00001; gnomAD exomes 0.00002.
gnomAD v4.1: 23 of 1,613,740 alleles (0.0014%); highest among the groups gnomAD compares: Non-Finnish European, 0.0019%; no homozygotes.

Submissions (2):

Labcorp Genetics (formerly Invitae), Labcorp
Classification: Uncertain significance for Autoimmune lymphoproliferative syndrome type 2A. Last evaluated: 2023-02-11. Review status: criteria provided, single submitter. Criteria: Invitae Variant Classification Sherloc (09022015). Collection method: clinical testing. Allele origin: germline.
Comment: This sequence change replaces asparagine, which is neutral and polar, with isoleucine, which is neutral and non-polar, at codon 234 of the CASP10 protein (p.Asn234Ile). This variant is present in population databases (no rsID available, gnomAD 0.002%). This variant has not been reported in the literature in individuals affected with CASP10-related conditions. Algorithms developed to predict the effect of missense changes on protein structure and function are either unavailable or do not agree on the potential impact of this missense change (SIFT: "Deleterious"; PolyPhen-2: "Benign"; Align-GVGD: "Class C0"). In summary, the available evidence is currently insufficient to determine the role of this variant in disease. Therefore, it has been classified as a Variant of Uncertain Significance.

Blueprint Genetics
Classification: Uncertain significance. Last evaluated: 2022-11-09. Review status: criteria provided, single submitter. Criteria: ACMG Guidelines, 2015. Collection method: clinical testing. Allele origin: germline.